The following is an entry in ClinVar:

NM_006734.4(HIVEP2):c.831G>C (p.Gln277His)

Gene: HIVEP2 (HIVEP zinc finger 2; minus strand). Cytogenetic location: 6q24.2.
Variant type: single nucleotide variant.
Coding change: c.831G>C on transcript NM_006734.4 (MANE Select); coding-DNA position 831, G replaced by C.
Protein change: p.Gln277His; replaces glutamine 277 with histidine.
Molecular consequence: missense variant.
Genome position (GRCh38, 1-based): chr6:142,773,908, C>G on the plus strand (G>C on the coding strand, the complement: HIVEP2 is on the minus strand). VCF-style: chr6-142773908-C-G. GRCh37 (hg19) VCF-style: chr6-143095045-C-G.
Other names: c.831G>C, p.Gln277His (NM_001438449.1, NM_001438450.1, NM_001438451.1); short protein forms Q277H.
Identifiers: ClinVar variation 4873313 (VCV004873313.2).

ClinVar aggregate classification (germline): Uncertain significance (1 of 4 stars; one submission).

gnomAD v4.1: 15 of 1,613,840 alleles (0.00093%); highest among the groups gnomAD compares: Non-Finnish European, 0.00051%; no homozygotes.

Submission:

CeGaT Center for Human Genetics Tuebingen
Classification: Uncertain significance. Last evaluated: 2026-04-01. Review status: criteria provided, single submitter. Criteria: CeGaT Center For Human Genetics Tuebingen Variant Classification Criteria Version 2. Collection method: clinical testing. Allele origin: germline. Affected: yes. Observed: 1 variant allele.
Comment: HIVEP2: PM2, BP1